The following is an entry in ClinVar:

ClinVar aggregate classification (germline): Uncertain significance (1 of 4 stars; one submission).

Conditions:
Spermatogenic failure 18. Identifiers: MedGen C4539783, MONDO:0054615, OMIM 617576.
Ciliary dyskinesia, primary, 37 (CILD37). Also called: CILIARY DYSKINESIA, PRIMARY, 37, WITH OR WITHOUT SITUS INVERSUS. Identifiers: MedGen C4539798, MONDO:0033204, OMIM 617577.

Submission:

Labcorp Genetics (formerly Invitae), Labcorp
Classification: Uncertain significance for Ciliary dyskinesia, primary, 37; Spermatogenic failure 18. Last evaluated: 2022-08-16. Review status: criteria provided, single submitter. Criteria: Invitae Variant Classification Sherloc (09022015). Collection method: clinical testing. Allele origin: germline.
Comment: In summary, the available evidence is currently insufficient to determine the role of this variant in disease. Therefore, it has been classified as a Variant of Uncertain Significance. Algorithms developed to predict the effect of sequence changes on RNA splicing suggest that this variant may create or strengthen a splice site. Algorithms developed to predict the effect of missense changes on protein structure and function are either unavailable or do not agree on the potential impact of this missense change (SIFT: "Deleterious"; PolyPhen-2: "Benign"; Align-GVGD: "Class C0"). ClinVar contains an entry for this variant (Variation ID: 1427808). This variant has not been reported in the literature in individuals affected with DNAH1-related conditions. This variant is not present in population databases (gnomAD no frequency). This sequence change replaces methionine, which is neutral and non-polar, with isoleucine, which is neutral and non-polar, at codon 3444 of the DNAH1 protein (p.Met3444Ile).

NM_015512.5(DNAH1):c.10332G>A (p.Met3444Ile)

Gene: DNAH1 (dynein axonemal heavy chain 1; plus strand). Cytogenetic location: 3p21.1.
Variant type: single nucleotide variant.
Coding change: c.10332G>A on transcript NM_015512.5 (MANE Select); coding-DNA position 10332, G replaced by A.
Protein change: p.Met3444Ile; replaces methionine 3444 with isoleucine.
Molecular consequence: missense variant.
Genome position (GRCh38, 1-based): chr3:52,392,883, G>A. VCF-style: chr3-52392883-G-A. GRCh37 (hg19) VCF-style: chr3-52426899-G-A.
Other names: short protein forms M3444I.
Identifiers: ClinVar variation 1427808 (VCV001427808.8), dbSNP rs1704457226, ClinGen allele CA353201830.